The following is an entry in ClinVar:

NM_000497.4(CYP11B1):c.395+6C>T

Gene: CYP11B1 (cytochrome P450 family 11 subfamily B member 1; minus strand). Cytogenetic location: 8q24.3.
Variant type: single nucleotide variant.
Coding change: c.395+6C>T on transcript NM_000497.4 (MANE Select); 6 bases into the intron after coding-DNA position 395, C replaced by T.
Molecular consequence: intron variant.
Genome position (GRCh38, 1-based): chr8:142,879,026, G>A on the plus strand (C>T on the coding strand, the complement: CYP11B1 is on the minus strand). VCF-style: chr8-142879026-G-A. GRCh37 (hg19) VCF-style: chr8-143960442-G-A.
Other names: c.395+6C>T (NM_001026213.1).
Identifiers: ClinVar variation 706840 (VCV000706840.20), dbSNP rs553707049, ClinGen allele CA4905532.

ClinVar aggregate classification (germline): Conflicting classifications of pathogenicity. Review status: criteria provided, conflicting classifications (1 of 4 stars). 6 submissions from 5 submitters: Uncertain significance (2); Benign (2); Likely benign (2). Last evaluated 2026-01-14.

Conditions:
Deficiency of steroid 11-beta-monooxygenase (CYP11B1). Also called: Congenital adrenal hyperplasia due to 11-beta-hydroxylase deficiency; ADRENAL HYPERPLASIA IV; P450C11B1 DEFICIENCY; ADRENAL HYPERPLASIA, CONGENITAL, DUE TO STEROID 11-BETA-HYDROXYLASE DEFICIENCY; 11-BETA-HYDROXYLASE DEFICIENCY; STEROID 11-BETA-HYDROXYLASE DEFICIENCY. Identifiers: Orphanet 90795, MedGen C0268292, MONDO:0008729, OMIM 202010. Disease mechanism: loss of function.
Glucocorticoid-remediable aldosteronism. Also called: Hyperaldosteronism, familial, type I; FH I; GLUCOCORTICOID-SUPPRESSIBLE HYPERALDOSTERONISM; ACTH-DEPENDENT HYPERALDOSTERONISM SYNDROME; ALDOSTERONISM, SENSITIVE TO DEXAMETHASONE. Identifiers: Orphanet 403, MedGen C3838731, MONDO:0007080, OMIM 103900.

Allele frequency attached by ClinVar (database versions not stated): TOPMed 0.00002; gnomAD 0.00003; ExAC 0.00027; 1000 Genomes Project 0.00100; 1000 Genomes Project 30x 0.00109.

Submissions (6):

Labcorp Genetics (formerly Invitae), Labcorp
Classification: Likely benign. Last evaluated: 2026-01-14. Review status: criteria provided, single submitter. Criteria: Invitae Variant Classification Sherloc (09022015). Collection method: clinical testing. Allele origin: germline.

Women's Health and Genetics/Laboratory Corporation of America, LabCorp
Classification: Benign. Last evaluated: 2025-04-07. Review status: criteria provided, single submitter. Criteria: LabCorp Variant Classification Summary - May 2015. Collection method: clinical testing. Allele origin: germline.
Comment: Variant summary: CYP11B1 c.395+6C>T alters a conserved nucleotide located close to a canonical splice site and therefore could affect mRNA splicing, leading to a significantly altered protein sequence. Consensus agreement among computation tools predict no significant impact on normal splicing. However, these predictions have yet to be confirmed by functional studies. The variant allele was found at a frequency of 0.00014 in 1613968 control chromosomes, predominantly at a frequency of 0.0022 within the South Asian subpopulation in the gnomAD database, including 5 homozygotes. The observed variant frequency within South Asian control individuals in the gnomAD database is approximately 1.078 fold of the estimated maximal expected allele frequency for a pathogenic variant in CYP11B1 causing Congenital Adrenal Hyperplasia phenotype (0.002). To our knowledge, no occurrence of c.395+6C>T in individuals affected with Congenital Adrenal Hyperplasia and no experimental evidence demonstrating its impact on protein function have been reported. ClinVar contains an entry for this variant (Variation ID: 706840). Based on the evidence outlined above, the variant was classified as benign.

Blueprint Genetics
Classification: Likely benign. Last evaluated: 2023-05-15. Review status: criteria provided, single submitter. Criteria: ACMG Guidelines, 2015. Collection method: clinical testing. Allele origin: germline.

Genetic Services Laboratory, University of Chicago
Classification: Uncertain significance. Last evaluated: 2020-03-03. Review status: criteria provided, single submitter. Criteria: ACMG Guidelines, 2015. Collection method: clinical testing. Allele origin: germline. Affected: no.

Illumina Laboratory Services, Illumina
Classification: Uncertain significance for Deficiency of steroid 11-beta-monooxygenase. Last evaluated: 2018-01-13. Review status: criteria provided, single submitter. Criteria: ICSL Variant Classification Criteria 13 December 2019. Collection method: clinical testing. Allele origin: germline.

Illumina Laboratory Services, Illumina
Classification: Benign for Glucocorticoid-remediable aldosteronism. Last evaluated: 2018-01-13. Review status: criteria provided, single submitter. Criteria: ICSL Variant Classification Criteria 13 December 2019. Collection method: clinical testing. Allele origin: germline.
Comment: This variant was observed in the ICSL laboratory as part of a predisposition screen in an ostensibly healthy population. It had not been previously curated by ICSL or reported in the Human Gene Mutation Database (HGMD: prior to June 1st, 2018), and was therefore a candidate for classification through an automated scoring system. Utilizing variant allele frequency, disease prevalence and penetrance estimates, and inheritance mode, an automated score was calculated to assess if this variant is too frequent to cause the disease. Based on the score and internal cut-off values, a variant classified as benign is not then subjected to further curation. The score for this variant resulted in a classification of benign for this disease.